The following is an entry in ClinVar:

NM_001039.4(SCNN1G):c.*491G>A

Gene: SCNN1G (sodium channel epithelial 1 subunit gamma; plus strand). Cytogenetic location: 16p12.2.
Variant type: single nucleotide variant.
Coding change: c.*491G>A on transcript NM_001039.4 (MANE Select); 491 bases downstream of the stop codon, G replaced by A.
Molecular consequence: 3 prime UTR variant.
Genome position (GRCh38, 1-based): chr16:23,215,960, G>A. VCF-style: chr16-23215960-G-A. GRCh37 (hg19) VCF-style: chr16-23227281-G-A.
Identifiers: ClinVar variation 885325 (VCV000885325.4), dbSNP rs146413363, ClinGen allele CA279471502.

ClinVar aggregate classification (germline): Conflicting classifications of pathogenicity. Review status: criteria provided, conflicting classifications (1 of 4 stars). 2 submissions from 1 submitter: Uncertain significance (1); Benign (1). Last evaluated 2018-01-13.

Conditions:
Liddle syndrome 2. Identifiers: MedGen C4748251, MONDO:0020854, OMIM 618114.
Pseudohypoaldosteronism, type IB1, autosomal recessive. Also called: Pseudohypoaldosteronism, Type I, Recessive; Autosomal recessive pseudohypoaldosteronism type 1; Pseudohypoaldosteronism, Type I, Autosomal Recessive; PHA I, AUTOSOMAL RECESSIVE. Identifiers: Orphanet 171876, Orphanet 756, MedGen C5774176, MONDO:0009917, OMIM 264350.

Allele frequency attached by ClinVar (database versions not stated): gnomAD 0.00020 and 0.00033; TOPMed 0.00025; 1000 Genomes Project 0.00160; 1000 Genomes Project 30x 0.00187.
gnomAD v4.1: 78 of 216,510 alleles (0.036%); highest among the groups gnomAD compares: East Asian, 0.46%; no homozygotes.

Submissions (2):

Illumina Laboratory Services, Illumina
Classification: Benign for Liddle syndrome 2. Last evaluated: 2018-01-13. Review status: criteria provided, single submitter. Criteria: ICSL Variant Classification Criteria 13 December 2019. Collection method: clinical testing. Allele origin: germline.
Comment: This variant was observed in the ICSL laboratory as part of a predisposition screen in an ostensibly healthy population. It had not been previously curated by ICSL or reported in the Human Gene Mutation Database (HGMD: prior to June 1st, 2018), and was therefore a candidate for classification through an automated scoring system. Utilizing variant allele frequency, disease prevalence and penetrance estimates, and inheritance mode, an automated score was calculated to assess if this variant is too frequent to cause the disease. Based on the score and internal cut-off values, a variant classified as benign is not then subjected to further curation. The score for this variant resulted in a classification of benign for this disease.

Illumina Laboratory Services, Illumina
Classification: Uncertain significance for Pseudohypoaldosteronism, type IB1, autosomal recessive. Last evaluated: 2018-01-13. Review status: criteria provided, single submitter. Criteria: ICSL Variant Classification Criteria 13 December 2019. Collection method: clinical testing. Allele origin: germline.